The following is an entry in ClinVar:

ClinVar aggregate classification (germline): Likely benign. Review status: criteria provided, multiple submitters, no conflicts (2 of 4 stars). 2 submissions from 2 submitters: Likely benign (2). Last evaluated 2025-06-11.

Allele frequency attached by ClinVar (database versions not stated): ExAC 0.00001; TOPMed 0.00006; gnomAD 0.00007 and 0.00008.
gnomAD v4.1: 21 of 1,497,208 alleles (0.0014%); highest among the groups gnomAD compares: Admixed American, 0.051%; no homozygotes.

Submissions (2):

Labcorp Genetics (formerly Invitae), Labcorp
Classification: Likely benign. Last evaluated: 2025-06-11. Review status: criteria provided, single submitter. Criteria: Invitae Variant Classification Sherloc (09022015). Collection method: clinical testing. Allele origin: germline.

CeGaT Center for Human Genetics Tuebingen
Classification: Likely benign. Last evaluated: 2024-09-01. Review status: criteria provided, single submitter. Criteria: CeGaT Center For Human Genetics Tuebingen Variant Classification Criteria Version 2. Collection method: clinical testing. Allele origin: germline. Affected: yes. Observed: 1 variant allele.
Comment: DHX37: BP4, BP7

NM_032656.4(DHX37):c.2184C>G (p.Pro728=)

Gene: DHX37 (DEAH-box helicase 37; minus strand). Cytogenetic location: 12q24.31.
Variant type: single nucleotide variant.
Coding change: c.2184C>G on transcript NM_032656.4 (MANE Select); coding-DNA position 2184, C replaced by G.
Protein change: p.Pro728=; no amino-acid change (proline 728 retained).
Molecular consequence: synonymous variant.
Genome position (GRCh38, 1-based): chr12:124,957,109, G>C on the plus strand (C>G on the coding strand, the complement: DHX37 is on the minus strand). VCF-style: chr12-124957109-G-C. GRCh37 (hg19) VCF-style: chr12-125441655-G-C.
Identifiers: ClinVar variation 730871 (VCV000730871.21), dbSNP rs756874310, ClinGen allele CA6871724.